The following is an entry in ClinVar:

NM_014915.3(ANKRD26):c.2792T>A (p.Ile931Lys)

Gene: ANKRD26 (ankyrin repeat domain containing 26; minus strand). Cytogenetic location: 10p12.1.
Variant type: single nucleotide variant.
Coding change: c.2792T>A on transcript NM_014915.3 (MANE Select); coding-DNA position 2792, T replaced by A.
Protein change: p.Ile931Lys; replaces isoleucine 931 with lysine.
Molecular consequence: missense variant.
Genome position (GRCh38, 1-based): chr10:27,035,658, A>T on the plus strand (T>A on the coding strand, the complement: ANKRD26 is on the minus strand). VCF-style: chr10-27035658-A-T. GRCh37 (hg19) VCF-style: chr10-27324587-A-T.
Other names: c.2789T>A, p.Ile930Lys (NM_001256053.2); short protein forms I930K, I931K.
Identifiers: ClinVar variation 3252712 (VCV003252712.2), dbSNP rs1277208576.
Genomic context (GRCh38, chr10:27,035,658, plus strand): 5'-TCTTTTACAATTTTAAGGTCCTCAAAACATTTCTTTTCTTTTTCCTGGTTTTGATTTTTT[A>T]TTGTGTCTATTTCTAGTCTTAGCATAGCAATTTCTTCCTGCAACATGCTATTTTTATGCG-3'
Protein context (NP_055730.2, residues 921-941): IAMLRLEIDT[Ile931Lys]KNQNQEKEKK

ClinVar aggregate classification (germline): Uncertain significance. Review status: criteria provided, multiple submitters, no conflicts (2 of 4 stars). 2 submissions from 2 submitters: Uncertain significance (2). Last evaluated 2025-02-27.

Conditions:
Inborn genetic diseases. Identifiers: MedGen C0950123, MeSH D030342.

Submissions (2):

Ambry Genetics
Classification: Uncertain significance for Inborn genetic diseases. Last evaluated: 2025-02-27. Review status: criteria provided, single submitter. Criteria: Ambry Variant Classification Scheme 2023. Collection method: clinical testing. Allele origin: germline.
Comment: The p.I931K variant (also known as c.2792T>A), located in coding exon 24 of the ANKRD26 gene, results from a T to A substitution at nucleotide position 2792. The isoleucine at codon 931 is replaced by lysine, an amino acid with dissimilar properties. This amino acid position is conserved. In addition, this alteration is predicted to be tolerated by in silico analysis. Based on the available evidence, the clinical significance of this variant remains unclear.

GeneDx
Classification: Uncertain significance. Last evaluated: 2023-04-12. Review status: criteria provided, single submitter. Criteria: GeneDx Variant Classification Process June 2021. Collection method: clinical testing. Allele origin: germline. Affected: yes.
Comment: Not observed at significant frequency in large population cohorts (gnomAD); In silico analysis supports that this missense variant has a deleterious effect on protein structure/function; Has not been previously published as pathogenic or benign to our knowledge